The following is an entry in ClinVar:

ClinVar aggregate classification (germline): Uncertain significance. Review status: criteria provided, multiple submitters, no conflicts (2 of 4 stars). 3 submissions from 3 submitters: Uncertain significance (3). Last evaluated 2024-12-10.

Conditions:
Hereditary cancer-predisposing syndrome. Also called: Neoplastic Syndromes, Hereditary; Tumor predisposition; Hereditary neoplastic syndrome; Hereditary Cancer Syndrome. Identifiers: Orphanet 140162, MedGen C0027672, MeSH D009386, MONDO:0015356.

Allele frequency attached by ClinVar (database versions not stated): gnomAD exomes below 0.00001.
gnomAD v4.1: 1 of 1,613,314 alleles (0.000062%); highest among the groups gnomAD compares: Non-Finnish European, 0.000085%; no homozygotes.

Submissions (3):

Color Diagnostics, LLC DBA Color Health
Classification: Uncertain significance for Hereditary cancer-predisposing syndrome. Last evaluated: 2024-12-10. Review status: criteria provided, single submitter. Criteria: ACMG Guidelines, 2015. Collection method: clinical testing. Allele origin: germline.
Comment: This missense variant replaces arginine with glycine at codon 649 of the PMS2 protein. Computational prediction suggests that this variant may not impact protein structure and function (internally defined REVEL score threshold <= 0.5, PMID: 27666373). To our knowledge, functional studies have not been reported for this variant. This variant has not been reported in individuals affected with PMS2-related disorders in the literature. This variant has not been identified in the general population by the Genome Aggregation Database (gnomAD). The available evidence is insufficient to determine the role of this variant in disease conclusively. Therefore, this variant is classified as a Variant of Uncertain Significance.

Ambry Genetics
Classification: Uncertain significance for Hereditary cancer-predisposing syndrome. Last evaluated: 2023-12-10. Review status: criteria provided, single submitter. Criteria: Ambry Variant Classification Scheme 2023. Collection method: clinical testing. Allele origin: germline.
Comment: The p.R649G variant (also known as c.1945A>G), located in coding exon 11 of the PMS2 gene, results from an A to G substitution at nucleotide position 1945. The arginine at codon 649 is replaced by glycine, an amino acid with dissimilar properties. This amino acid position is conserved. In addition, the in silico prediction for this alteration is inconclusive. Since supporting evidence is limited at this time, the clinical significance of this alteration remains unclear.

GeneDx
Classification: Uncertain significance. Last evaluated: 2023-10-23. Review status: criteria provided, single submitter. Criteria: GeneDx Variant Classification Process June 2021. Collection method: clinical testing. Allele origin: germline. Affected: yes.
Comment: Not observed at significant frequency in large population cohorts (gnomAD); In silico analysis supports that this missense variant has a deleterious effect on protein structure/function; Has not been previously published as pathogenic or benign to our knowledge; This variant is associated with the following publications: (PMID: 11292842)

NM_000535.7(PMS2):c.1945A>G (p.Arg649Gly)

Gene: PMS2 (PMS1 homolog 2, mismatch repair system component; minus strand). Cytogenetic location: 7p22.1.
Variant type: single nucleotide variant.
Coding change: c.1945A>G on transcript NM_000535.7 (MANE Select); coding-DNA position 1945, A replaced by G.
Protein change: p.Arg649Gly; replaces arginine 649 with glycine.
Molecular consequence: missense variant. On other transcripts: non-coding transcript variant (1), intron variant (1).
Genome position (GRCh38, 1-based): chr7:5,986,820, T>C on the plus strand (A>G on the coding strand, the complement: PMS2 is on the minus strand). VCF-style: chr7-5986820-T-C. GRCh37 (hg19) VCF-style: chr7-6026451-T-C.
Other names: c.804-3829A>G (NM_001406912.1); c.1540A>G, p.Arg514Gly (NM_001018040.1, NM_001322003.2, NM_001322004.2 and 17 more transcripts); c.1789A>G, p.Arg597Gly (NM_001322006.2, NM_001406870.1); c.1627A>G, p.Arg543Gly (NM_001322007.2, NM_001322008.2, NM_001406876.1 and 2 more transcripts); c.1384A>G, p.Arg462Gly (NM_001322010.2, NM_001406906.1, NM_001406907.1); c.1012A>G, p.Arg338Gly (NM_001322011.2, NM_001322012.2); c.1372A>G, p.Arg458Gly (NM_001322013.2, NM_001406909.1); c.1945A>G, p.Arg649Gly (NM_001322014.2, NM_001406871.1, NM_001406872.1); and 13 more; short protein forms R338G, R392G, R458G, R462G, R478G, R491G, R494G, R514G.
Identifiers: ClinVar variation 3231994 (VCV003231994.3), dbSNP rs2535708154, ClinGen allele CA366739124.